The following is an entry in ClinVar:

NM_001371623.1(TCOF1):c.2223A>G (p.Pro741=)

Gene: TCOF1 (treacle ribosome biogenesis factor 1; plus strand). Cytogenetic location: 5q32.
Variant type: single nucleotide variant.
Coding change: c.2223A>G on transcript NM_001371623.1 (MANE Select); coding-DNA position 2223, A replaced by G.
Protein change: p.Pro741=; no amino-acid change (proline 741 retained).
Molecular consequence: synonymous variant.
Genome position (GRCh38, 1-based): chr5:150,376,503, A>G. VCF-style: chr5-150376503-A-G. GRCh37 (hg19) VCF-style: chr5-149756066-A-G.
Other names: c.1992A>G, p.Pro664= (NM_000356.4, NM_001135245.2); c.2223A>G, p.Pro741= (NM_001008657.3, NM_001135243.2, NM_001135244.2 and 1 more transcripts).
Identifiers: ClinVar variation 3354011 (VCV003354011.1).

ClinVar aggregate classification (germline): Likely benign (0 of 4 stars; one submission).

Conditions:
TCOF1-related disorder. Also called: TCOF1-related condition.

Submission:

PreventionGenetics, part of Exact Sciences
Classification: Likely benign for TCOF1-related condition. Last evaluated: 2024-07-19. Review status: no assertion criteria provided. Collection method: clinical testing. Allele origin: germline.
Comment: This variant is classified as likely benign based on ACMG/AMP sequence variant interpretation guidelines (Richards et al. 2015 PMID: 25741868, with internal and published modifications).